The following is an entry in ClinVar:

ClinVar aggregate classification (germline): Likely benign. Review status: criteria provided, single submitter (1 of 4 stars). 2 submissions from 2 submitters: Likely benign (1). 1 of the submissions does not count toward it. Last evaluated 2022-01-13.

Conditions:
RPGRIP1L-related disorder. Also called: RPGRIP1L-related disorders; RPGRIP1L-related condition. Identifiers: MedGen CN239416.
Meckel-Gruber syndrome. Also called: Dysencephalia splachnocystica; GRUBER SYNDROME; DYSENCEPHALIA SPLANCHNOCYSTICA. Identifiers: Orphanet 564, MedGen C0265215, MONDO:0018921.
Joubert syndrome. Also called: Familial aplasia of the vermis; JOUBERT-BOLTSHAUSER SYNDROME. Identifiers: Orphanet 475, MedGen C5979921, MONDO:0018772.

Submissions (2):

Labcorp Genetics (formerly Invitae), Labcorp
Classification: Likely benign for Joubert syndrome; Meckel-Gruber syndrome. Last evaluated: 2022-01-13. Review status: criteria provided, single submitter. Criteria: Invitae Variant Classification Sherloc (09022015). Collection method: clinical testing. Allele origin: germline.

PreventionGenetics, part of Exact Sciences
Classification: Likely benign for RPGRIP1L-related condition. Last evaluated: 2022-05-23. Review status: no assertion criteria provided. Collection method: clinical testing. Allele origin: germline. Not counted in ClinVar's aggregate classification.
Comment: This variant is classified as likely benign based on ACMG/AMP sequence variant interpretation guidelines (Richards et al. 2015 PMID: 25741868, with internal and published modifications).

NM_015272.5(RPGRIP1L):c.1386T>C (p.Ala462=)

Gene: RPGRIP1L (RPGRIP1 like; minus strand). Cytogenetic location: 16q12.2.
Variant type: single nucleotide variant.
Coding change: c.1386T>C on transcript NM_015272.5 (MANE Select); coding-DNA position 1386, T replaced by C.
Protein change: p.Ala462=; no amino-acid change (alanine 462 retained).
Molecular consequence: synonymous variant.
Genome position (GRCh38, 1-based): chr16:53,658,429, A>G on the plus strand (T>C on the coding strand, the complement: RPGRIP1L is on the minus strand). VCF-style: chr16-53658429-A-G. GRCh37 (hg19) VCF-style: chr16-53692341-A-G.
Other names: c.1386T>C, p.Ala462= (NM_001127897.4, NM_001308334.3, NM_001330538.2); c.1386T>C (NM_015272.4).
Identifiers: ClinVar variation 2145407 (VCV002145407.5), dbSNP rs2544299505, ClinGen allele CA495537928.
Genomic context (GRCh38, chr16:53,658,429, plus strand): 5'-AGTTGTATGCAGACATGAAAATCACGATGAAGTTCAGAACCTTACCTTTATAAGTAGGAG[A>G]GCTTCACTCAATTCATCAGCATTAATATCATTCTCCTGCAATAGATTAAGTAAAAGCTCA-3'
Protein context (NP_056087.2, residues 452-472): NDINADELSE[Ala462=]LLLIKAQKEQ